The following is an entry in ClinVar:

ClinVar aggregate classification (germline): Uncertain significance. Review status: criteria provided, single submitter (1 of 4 stars). 2 submissions from 2 submitters: Uncertain significance (1). 1 of the submissions does not count toward it. Last evaluated 2023-05-16.

Conditions:
Neu-Laxova syndrome 2. Identifiers: Orphanet 2671, Orphanet 583602, MedGen C4015019, MONDO:0014466, OMIM 616038.

Allele frequency attached by ClinVar (database versions not stated): gnomAD below 0.00001 and 0.00006; TOPMed 0.00001; gnomAD exomes 0.00009 and 0.00014; ExAC 0.00016; 1000 Genomes Project 0.00060; 1000 Genomes Project 30x 0.00062.

Submissions (2):

Labcorp Genetics (formerly Invitae), Labcorp
Classification: Uncertain significance for Neu-Laxova syndrome 2. Last evaluated: 2023-05-16. Review status: criteria provided, single submitter. Criteria: Invitae Variant Classification Sherloc (09022015). Collection method: clinical testing. Allele origin: germline.
Comment: In summary, the available evidence is currently insufficient to determine the role of this variant in disease. Therefore, it has been classified as a Variant of Uncertain Significance. Experimental studies are conflicting or provide insufficient evidence to determine the effect of this variant on PSAT1 function (PMID: 32077105). Advanced modeling of protein sequence and biophysical properties (such as structural, functional, and spatial information, amino acid conservation, physicochemical variation, residue mobility, and thermodynamic stability) performed at Invitae indicates that this missense variant is not expected to disrupt PSAT1 protein function. ClinVar contains an entry for this variant (Variation ID: 977056). This variant has not been reported in the literature in individuals affected with PSAT1-related conditions. This variant is present in population databases (rs572302367, gnomAD 0.1%). This sequence change replaces valine, which is neutral and non-polar, with alanine, which is neutral and non-polar, at codon 250 of the PSAT1 protein (p.Val250Ala).

Dudley Research Group, Pacific Northwest Research Institute
No classification provided. Review status: no classification provided. Collection method: research, in vivo. Allele origin: unknown, not applicable. Functional consequence: functionally_normal. Not counted in ClinVar's aggregate classification.

Literature cited by the submitters: PubMed 32077105 (cited by Labcorp Genetics (formerly Invitae), Labcorp).

NM_058179.4(PSAT1):c.749T>C (p.Val250Ala)

Gene: PSAT1 (phosphoserine aminotransferase 1; plus strand). Cytogenetic location: 9q21.2.
Variant type: single nucleotide variant.
Coding change: c.749T>C on transcript NM_058179.4 (MANE Select); coding-DNA position 749, T replaced by C.
Protein change: p.Val250Ala; replaces valine 250 with alanine.
Molecular consequence: missense variant.
Genome position (GRCh38, 1-based): chr9:78,317,684, T>C. VCF-style: chr9-78317684-T-C. GRCh37 (hg19) VCF-style: chr9-80932600-T-C.
Other names: c.749T>C, p.Val250Ala (NM_021154.5); short protein forms V250A.
Identifiers: ClinVar variation 977056 (VCV000977056.8), dbSNP rs572302367, ClinGen allele CA5095722.